The following is an entry in ClinVar:

ClinVar aggregate classification (germline): Uncertain significance (1 of 4 stars; one submission).

Conditions:
CSF3R-related disorder. Also called: CSF3R-related condition.

gnomAD v4.1: 14 of 1,614,018 alleles (0.00087%); highest among the groups gnomAD compares: Non-Finnish European, 0.00076%; no homozygotes.

Submission:

PreventionGenetics, part of Exact Sciences
Classification: Uncertain significance for CSF3R-related condition. Last evaluated: 2023-07-31. Review status: criteria provided, single submitter. Criteria: ACMG Guidelines, 2015. Collection method: clinical testing. Allele origin: germline.
Comment: The CSF3R c.2264G>T variant is predicted to result in the amino acid substitution p.Arg755Leu. This variant corresponds to a post-coding position in the primary transcript for this gene (NM_000760.3:c.*173G>T). To our knowledge, this variant has not been reported in the literature. This variant is reported in 0.0046% of alleles in individuals of European (Finnish) descent in gnomAD. At this time, the clinical significance of this variant is uncertain due to the absence of conclusive functional and genetic evidence.

NM_000760.4(CSF3R):c.*173G>T

Gene: CSF3R (colony stimulating factor 3 receptor; minus strand). Cytogenetic location: 1p34.3.
Variant type: single nucleotide variant.
Coding change: c.*173G>T on transcript NM_000760.4 (MANE Select); 173 bases downstream of the stop codon, G replaced by T.
Molecular consequence: 3 prime UTR variant. On other transcripts: missense variant (1).
Genome position (GRCh38, 1-based): chr1:36,466,184, C>A on the plus strand (G>T on the coding strand, the complement: CSF3R is on the minus strand). VCF-style: chr1-36466184-C-A. GRCh37 (hg19) VCF-style: chr1-36931785-C-A.
Other names: c.*173G>T (NM_156039.3); c.2264G>T, p.Arg755Leu (NM_172313.3); short protein forms R755L.
Identifiers: ClinVar variation 2635752 (VCV002635752.1), dbSNP rs777880216, ClinGen allele CA768858.